The following is an entry in ClinVar:

NM_001283009.2(RTEL1):c.263C>A (p.Ser88Tyr)

Genes: RTEL1 (regulator of telomere elongation helicase 1; plus strand), RTEL1-TNFRSF6B (RTEL1-TNFRSF6B readthrough (NMD candidate); plus strand). Cytogenetic location: 20q13.33.
Variant type: single nucleotide variant.
Coding change: c.263C>A on transcript NM_001283009.2 (MANE Select); coding-DNA position 263, C replaced by A.
Protein change: p.Ser88Tyr; replaces serine 88 with tyrosine.
Molecular consequence: missense variant. On other transcripts: non-coding transcript variant (1), 5 prime UTR variant (1).
Genome position (GRCh38, 1-based): chr20:63,661,458, C>A. VCF-style: chr20-63661458-C-A. GRCh37 (hg19) VCF-style: chr20-62292811-C-A.
Other names: c.-407C>A (NM_001283010.1); c.263C>A, p.Ser88Tyr (NM_016434.4, NM_032957.5); short protein forms S88Y.
Identifiers: ClinVar variation 3436007 (VCV003436007.1).

ClinVar aggregate classification (germline): Uncertain significance (1 of 4 stars; one submission).

Conditions:
Inborn genetic diseases. Identifiers: MedGen C0950123, MeSH D030342.

Submission:

Ambry Genetics
Classification: Uncertain significance for Inborn genetic diseases. Last evaluated: 2024-11-30. Review status: criteria provided, single submitter. Criteria: Ambry Variant Classification Scheme 2023. Collection method: clinical testing. Allele origin: germline.
Comment: The p.S88Y variant (also known as c.263C>A), located in coding exon 2 of the RTEL1 gene, results from a C to A substitution at nucleotide position 263. The serine at codon 88 is replaced by tyrosine, an amino acid with dissimilar properties. This amino acid position is conserved. In addition, the in silico prediction for this alteration is inconclusive. Based on the available evidence, the clinical significance of this variant remains unclear.